The following is an entry in ClinVar:

ClinVar aggregate classification (germline): Pathogenic (1 of 4 stars; one submission).

Conditions:
Carney complex, type 1 (CNC1). Also called: CARNEY MYXOMA-ENDOCRINE COMPLEX; CARNEY COMPLEX, TYPE I. Identifiers: Orphanet 1359, MedGen C2607929, MONDO:0008057, OMIM 160980.

Submission:

Labcorp Genetics (formerly Invitae), Labcorp
Classification: Pathogenic for Carney complex, type 1. Last evaluated: 2021-10-21. Review status: criteria provided, single submitter. Criteria: Invitae Variant Classification Sherloc (09022015). Collection method: clinical testing. Allele origin: germline.
Comment: For these reasons, this variant has been classified as Pathogenic. This variant is also known as ins(C)632. This premature translational stop signal has been observed in individual(s) with clinical features of Carney complex (PMID: 15371594). This variant is not present in population databases (ExAC no frequency). This sequence change creates a premature translational stop signal (p.Asp183Glyfs*5) in the PRKAR1A gene. It is expected to result in an absent or disrupted protein product. Loss-of-function variants in PRKAR1A are known to be pathogenic (PMID: 11115848, 19293268).

Literature cited by the submitters: PubMed 15371594; PubMed 11115848; PubMed 19293268.

NM_002734.5(PRKAR1A):c.545dup (p.Asp183fs)

Gene: PRKAR1A (protein kinase cAMP-dependent type I regulatory subunit alpha; plus strand). Cytogenetic location: 17q24.2.
Variant type: Duplication.
Coding change: c.545dup on transcript NM_002734.5 (MANE Select); coding-DNA position 545, one base duplicated (C; older notation c.545dupC).
Protein change: p.Asp183fs; shifts the reading frame from aspartic acid 183.
Molecular consequence: frameshift variant.
Genome position (GRCh38, 1-based): chr17:68,524,954, C duplicated. VCF-style (leftmost placement, unchanged base first): chr17-68524953-A-AC. GRCh37 (hg19) VCF-style: chr17-66521094-A-AC.
Other names: c.545dup, p.Asp183fs (NM_001276289.2, NM_001276290.1, NM_001278433.2 and 4 more transcripts); short protein forms D183fs.
Identifiers: ClinVar variation 1451227 (VCV001451227.6), dbSNP rs2143307557, ClinGen allele CA2573154772.